The following is an entry in ClinVar:

NM_001006658.3(CR2):c.2012G>A (p.Arg671His)

Gene: CR2 (complement C3d receptor 2; plus strand). Cytogenetic location: 1q32.2.
Variant type: single nucleotide variant.
Coding change: c.2012G>A on transcript NM_001006658.3 (MANE Select); coding-DNA position 2012, G replaced by A.
Protein change: p.Arg671His; replaces arginine 671 with histidine.
Molecular consequence: missense variant. On other transcripts: intron variant (1).
Genome position (GRCh38, 1-based): chr1:207,473,578, G>A. VCF-style: chr1-207473578-G-A. GRCh37 (hg19) VCF-style: chr1-207646923-G-A.
Other names: c.1979-223G>A (NM_001877.5); short protein forms R671H.
Identifiers: ClinVar variation 402561 (VCV000402561.22), dbSNP rs17616, ClinGen allele CA1368864.

ClinVar aggregate classification (germline): Benign/Likely benign. Review status: criteria provided, multiple submitters, no conflicts (2 of 4 stars). 9 submissions from 9 submitters: Benign (7); Likely benign (2). Last evaluated 2026-02-04.

Conditions:
Immunodeficiency, common variable, 7. Identifiers: Orphanet 1572, Orphanet 696894, MedGen C3542922, MONDO:0013862, OMIM 614699.

Allele frequency attached by ClinVar (database versions not stated): 1000 Genomes Project 0.25759; gnomAD exomes 0.25950 and 0.30136; 1000 Genomes Project 30x 0.26405; ExAC 0.26860; gnomAD 0.30190 and 0.30700; TOPMed 0.30464; ESP Exome Variant Server 0.33669.
gnomAD v4.1: 484,830 of 1,611,296 alleles (30%); highest among the groups gnomAD compares: African/African-American, 38%; 76,008 homozygotes.

Submissions (9):

Labcorp Genetics (formerly Invitae), Labcorp
Classification: Benign for Immunodeficiency, common variable, 7. Last evaluated: 2026-02-04. Review status: criteria provided, single submitter. Criteria: Invitae Variant Classification Sherloc (09022015). Collection method: clinical testing. Allele origin: germline.

Women's Health and Genetics/Laboratory Corporation of America, LabCorp
Classification: Likely benign. Last evaluated: 2026-01-21. Review status: criteria provided, single submitter. Criteria: LabCorp Variant Classification Summary - May 2015. Collection method: clinical testing. Allele origin: germline.

Blueprint Genetics
Classification: Likely benign. Last evaluated: 2024-11-26. Review status: criteria provided, single submitter. Criteria: ACMG Guidelines, 2015. Collection method: clinical testing. Allele origin: germline.

Unidad de Genómica Garrahan, Hospital de Pediatría Garrahan
Classification: Benign. Last evaluated: 2024-01-24. Review status: criteria provided, single submitter. Criteria: ACMG Guidelines, 2015. Collection method: clinical testing. Allele origin: germline. Affected: no. Observed: 32 variant alleles.
Comment: This variant is classified as Benign based on local population frequency. This variant was detected in 34% of patients studied by a panel of primary immunodeficiencies. Number of patients: 32. Only high quality variants are reported.

Genome-Nilou Lab
Classification: Benign for Immunodeficiency, common variable, 7. Last evaluated: 2021-07-30. Review status: criteria provided, single submitter. Criteria: ACMG Guidelines, 2015. Collection method: clinical testing. Allele origin: germline. Affected: no.

GeneDx
Classification: Benign. Last evaluated: 2018-11-10. Review status: criteria provided, single submitter. Criteria: GeneDx Variant Classification Process June 2021. Collection method: clinical testing. Allele origin: germline. Affected: yes.

Mayo Clinic Laboratories, Mayo Clinic
Classification: Benign. Last evaluated: 2016-09-27. Review status: criteria provided, single submitter. Criteria: ACMG Guidelines, 2015. Collection method: clinical testing. Allele origin: germline. Observed: 65 variant alleles.

Laboratory for Molecular Medicine, Mass General Brigham Personalized Medicine
Classification: Benign. Last evaluated: 2016-03-28. Review status: criteria provided, single submitter. Criteria: LMM Criteria. Collection method: clinical testing. Allele origin: germline.
Comment: Variant identified in a genome or exome case(s) and assessed due to predicted null impact of the variant or pathogenic assertions in the literature or databases. Disclaimer: This variant has not undergone full assessment. The following are preliminary notes: Frequency

Breakthrough Genomics
Classification: Benign. Review status: criteria provided, single submitter. Criteria: ACMG Guidelines, 2015. Collection method: not provided. Allele origin: germline. Inheritance: Autosomal recessive inheritance. Affected: yes.